The following is an entry in ClinVar:

NM_001384125.1(BLTP1):c.505C>T (p.Arg169Trp)

Gene: BLTP1 (bridge-like lipid transfer protein family member 1; plus strand). Cytogenetic location: 4q27.
Variant type: single nucleotide variant.
Coding change: c.505C>T on transcript NM_001384125.1 (MANE Select); coding-DNA position 505, C replaced by T.
Protein change: p.Arg169Trp; replaces arginine 169 with tryptophan.
Molecular consequence: missense variant.
Genome position (GRCh38, 1-based): chr4:122,186,182, C>T. VCF-style: chr4-122186182-C-T. GRCh37 (hg19) VCF-style: chr4-123107337-C-T.
Other names: c.505C>T, p.Arg169Trp (NM_015312.4); short protein forms R169W.
Identifiers: ClinVar variation 1313373 (VCV001313373.3), dbSNP rs185301281, ClinGen allele CA3065364.

ClinVar aggregate classification (germline): Uncertain significance. Review status: criteria provided, multiple submitters, no conflicts (2 of 4 stars). 3 submissions from 3 submitters: Uncertain significance (3). Last evaluated 2026-08-06.

Conditions:
BLTP1-related disorder. Also called: BLTP1-related condition.
Alkuraya-Kucinskas syndrome. Identifiers: Orphanet 610569, MedGen C4693347, MONDO:0060631, OMIM 617822.

Allele frequency attached by ClinVar (database versions not stated): ExAC 0.00006; gnomAD exomes 0.00006; gnomAD 0.00011; TOPMed 0.00015; ESP Exome Variant Server 0.00025.
gnomAD v4.1: 101 of 1,611,622 alleles (0.0063%); highest among the groups gnomAD compares: African/African-American, 0.032%; no homozygotes.

Submissions (3):

OLLIN Analises Genomicas, OLLIN
Classification: Uncertain significance for Alkuraya-Kucinskas syndrome. Last evaluated: 2026-08-06. Review status: criteria provided, single submitter. Criteria: ACMG Guidelines 2015 PMID 25741868. Collection method: clinical testing. Allele origin: germline.
Comment: This missense variant, located in exon 7 (of 88), has been reported in ClinVar (accession VCV001313373.2) and in gnomAD with an allele frequency of 0.0063%. However, to our knowledge, it has not been reported in the scientific literature. In silico analysis predicts that this variant has a tolerated effect. This gene is constrained for missense variation. According to the currently available evidence, this variant has been classified as uncertain significance (PM2_P, PP2, BP4).

PreventionGenetics, part of Exact Sciences
Classification: Uncertain significance for BLTP1-related condition. Last evaluated: 2025-08-08. Review status: criteria provided, single submitter. Criteria: ACMG Guidelines, 2015. Collection method: clinical testing. Allele origin: germline.
Comment: The BLTP1 c.505C>T variant is predicted to result in the amino acid substitution p.Arg169Trp. To our knowledge, this variant has not been reported in the literature. This variant is reported in 0.046% of alleles in individuals of African descent in gnomAD. At this time, the clinical significance of this variant is uncertain due to the absence of conclusive functional and genetic evidence.

GeneDx
Classification: Uncertain significance. Last evaluated: 2020-10-16. Review status: criteria provided, single submitter. Criteria: GeneDx Variant Classification Process June 2021. Collection method: clinical testing. Allele origin: germline. Affected: yes.
Comment: Has not been previously published as pathogenic or benign to our knowledge; In silico analysis supports that this missense variant does not alter protein structure/function